The following is an entry in ClinVar:

ClinVar aggregate classification (germline): Conflicting classifications of pathogenicity. Review status: criteria provided, conflicting classifications (1 of 4 stars). 2 submissions from 2 submitters: Uncertain significance (1); Likely benign (1). Last evaluated 2025-08-07.

Allele frequency attached by ClinVar (database versions not stated): 1000 Genomes Project 0.00280.

Submissions (2):

Ambry Genetics
Classification: Uncertain significance. Last evaluated: 2025-08-07. Review status: criteria provided, single submitter. Criteria: Ambry Variant Classification Scheme 2023. Collection method: clinical testing. Allele origin: germline.

CeGaT Center for Human Genetics Tuebingen
Classification: Likely benign. Last evaluated: 2024-01-01. Review status: criteria provided, single submitter. Criteria: CeGaT Center For Human Genetics Tuebingen Variant Classification Criteria Version 2. Collection method: clinical testing. Allele origin: germline. Affected: yes. Observed: 1 variant allele.
Comment: PRAMEF2: BP4, BS2

NM_023014.1(PRAMEF2):c.358T>A (p.Trp120Arg)

Genes: PRAMEF2 (PRAME family member 2; plus strand), LOC126805622 (CDK7 strongly-dependent group 2 enhancer GRCh37_chr1:12919058-12920257; plus strand). Cytogenetic location: 1p36.21.
Variant type: single nucleotide variant.
Coding change: c.358T>A on transcript NM_023014.1 (MANE Select); coding-DNA position 358, T replaced by A.
Protein change: p.Trp120Arg; replaces tryptophan 120 with arginine.
Molecular consequence: missense variant.
Genome position (GRCh38, 1-based): chr1:12,859,763, T>A. VCF-style: chr1-12859763-T-A. GRCh37 (hg19) VCF-style: chr1-12919618-T-A.
Other names: short protein forms W120R.
Identifiers: ClinVar variation 3025698 (VCV003025698.23), dbSNP rs200248611, ClinGen allele CA607996.